The following is an entry in ClinVar:

NM_013339.4(ALG6):c.1456T>G (p.Leu486Val)

Gene: ALG6 (ALG6 alpha-1,3-glucosyltransferase; plus strand). Cytogenetic location: 1p31.3.
Variant type: single nucleotide variant.
Coding change: c.1456T>G on transcript NM_013339.4 (MANE Select); coding-DNA position 1456, T replaced by G.
Protein change: p.Leu486Val; replaces leucine 486 with valine.
Molecular consequence: missense variant.
Genome position (GRCh38, 1-based): chr1:63,436,952, T>G. VCF-style: chr1-63436952-T-G. GRCh37 (hg19) VCF-style: chr1-63902623-T-G.
Other names: short protein forms L486V.
Identifiers: ClinVar variation 1390150 (VCV001390150.3), dbSNP rs1274029656, ClinGen allele CA340642013.

ClinVar aggregate classification (germline): Uncertain significance (1 of 4 stars; one submission).

Conditions:
ALG6-congenital disorder of glycosylation 1C (CDG1C). Also called: Congenital disorder of glycosylation type 1C; CARBOHYDRATE-DEFICIENT GLYCOPROTEIN SYNDROME, TYPE I, WITH DEFICIENT GLYCOSYLATION OF DOLICHOL-LINKED OLIGOSACCHARIDE; CARBOHYDRATE-DEFICIENT GLYCOPROTEIN SYNDROME, TYPE V; Congenital disorder of glycosylation, type Ic; CDG Ic. Identifiers: Orphanet 79320, MedGen C2930997, MONDO:0011291, OMIM 603147.

Allele frequency attached by ClinVar (database versions not stated): gnomAD exomes below 0.00001; gnomAD 0.00001; TOPMed 0.00001.
gnomAD v4.1: 2 of 1,613,668 alleles (0.00012%); highest among the groups gnomAD compares: African/African-American, 0.0013%; no homozygotes.

Submission:

Labcorp Genetics (formerly Invitae), Labcorp
Classification: Uncertain significance for ALG6-congenital disorder of glycosylation 1C. Last evaluated: 2022-01-17. Review status: criteria provided, single submitter. Criteria: Invitae Variant Classification Sherloc (09022015). Collection method: clinical testing. Allele origin: germline.
Comment: This sequence change replaces leucine, which is neutral and non-polar, with valine, which is neutral and non-polar, at codon 486 of the ALG6 protein (p.Leu486Val). This variant is present in population databases (no rsID available, gnomAD 0.007%). This variant has not been reported in the literature in individuals affected with ALG6-related conditions. Algorithms developed to predict the effect of missense changes on protein structure and function (SIFT, PolyPhen-2, Align-GVGD) all suggest that this variant is likely to be tolerated. In summary, the available evidence is currently insufficient to determine the role of this variant in disease. Therefore, it has been classified as a Variant of Uncertain Significance.